The following is an entry in ClinVar:

ClinVar aggregate classification (germline): Likely pathogenic (1 of 4 stars; one submission).

Conditions:
Cardiovascular phenotype. Identifiers: MedGen CN230736.

Submission:

Ambry Genetics
Classification: Likely pathogenic for Cardiovascular phenotype. Last evaluated: 2024-10-18. Review status: criteria provided, single submitter. Criteria: Ambry Variant Classification Scheme 2023. Collection method: clinical testing. Allele origin: germline.
Comment: The c.42936_42937dupAT variant, located in coding exon 153 of the TTN gene, results from a duplication of AT at nucleotide position 42936, causing a translational frameshift with a predicted alternate stop codon (p.W14313Yfs*9). This exon is located in the A-band region of the N2-B isoform of the titin protein and is constitutively expressed in TTN transcripts (percent spliced in or PSI 100%). This variant is considered to be rare based on population cohorts in the Genome Aggregation Database (gnomAD). This alteration is expected to result in loss of function by premature protein truncation or nonsense-mediated mRNA decay. While truncating variants in TTN are present in 1-3% of the general population, truncating variants in the A-band are the most common cause of dilated cardiomyopathy (DCM) (Herman DS et al. N. Engl. J. Med., 2012 Feb;366:619-28; Roberts AM et al. Sci Transl Med, 2015 Jan;7:270ra6). TTN truncating variants encoded in constitutive exons (PSI >90%) have been found to be significantly associated with DCM regardless of their position in titin (Schafer S et al. Nat. Genet., 2017 01;49:46-53). Based on the majority of available evidence to date, this variant is likely to be pathogenic.

NM_001267550.2(TTN):c.70131_70132dup (p.Trp23378fs)

Genes: TTN (titin; minus strand), TTN-AS1 (TTN antisense RNA 1; plus strand), LOC126806422 (BRD4-independent group 4 enhancer GRCh37_chr2:179440205-179441404; plus strand). Cytogenetic location: 2q31.2.
Variant type: Duplication.
Coding change: c.70131_70132dup on transcript NM_001267550.2 (MANE Select); coding-DNA positions 70131 to 70132, 2 bases duplicated (AT; older notation c.70131_70132dupAT).
Protein change: p.Trp23378fs; shifts the reading frame from tryptophan 23378.
Molecular consequence: frameshift variant.
Genome position (GRCh38, 1-based): chr2:178,576,000-178,576,001, AT duplicated on the plus strand (AT on the coding strand, the reverse complement: TTN is on the minus strand). VCF-style (leftmost placement, unchanged base first): chr2-178575999-C-CAT. GRCh37 (hg19) VCF-style: chr2-179440726-C-CAT.
Other names: c.65208_65209dup, p.Trp21737fs (NM_001256850.1); c.42936_42937dup, p.Trp14313fs (NM_003319.4); c.62427_62428dup, p.Trp20810fs (NM_133378.4); c.43311_43312dup, p.Trp14438fs (NM_133432.3); c.43512_43513dup, p.Trp14505fs (NM_133437.4); c.42936_42937dupAT (NM_003319.4); short protein forms W21737fs, W14505fs, W14313fs, W14438fs, W20810fs, W23378fs.
Identifiers: ClinVar variation 3463815 (VCV003463815.1).